The following is an entry in ClinVar:

NM_007294.4(BRCA1):c.366T>G (p.Val122=)

Gene: BRCA1 (BRCA1 DNA repair associated; minus strand). Cytogenetic location: 17q21.31.
Variant type: single nucleotide variant.
Coding change: c.366T>G on transcript NM_007294.4 (MANE Select); coding-DNA position 366, T replaced by G.
Protein change: p.Val122=; no amino-acid change (valine 122 retained).
Molecular consequence: synonymous variant. On other transcripts: 5 prime UTR variant (7), intron variant (2).
Genome position (GRCh38, 1-based): chr17:43,104,197, A>C on the plus strand (T>G on the coding strand, the complement: BRCA1 is on the minus strand). VCF-style: chr17-43104197-A-C. GRCh37 (hg19) VCF-style: chr17-41256214-A-C.
Other names: c.156T>G, p.Val52= (NM_001407571.1, NM_001407853.1, NM_001407879.1 and 58 more transcripts); c.366T>G, p.Val122= (NM_001407581.1, NM_001407582.1, NM_001407583.1 and 165 more transcripts); c.357T>G, p.Val119= (NM_001407646.1, NM_001407647.1, NM_001408408.1); c.288T>G, p.Val96= (NM_001407653.1, NM_001407654.1, NM_001407655.1 and 21 more transcripts); c.225T>G, p.Val75= (NM_001407692.1, NM_001407694.1, NM_001407695.1 and 99 more transcripts); c.-16T>G (NM_001407959.1, NM_001407960.1, NM_001407962.1 and 4 more transcripts); c.234T>G, p.Val78= (NM_001408451.1); c.-218-9337T>G (NM_001407967.1, NM_001407966.1).
Identifiers: ClinVar variation 185214 (VCV000185214.30), dbSNP rs190900046, ClinGen allele CA002350.

ClinVar aggregate classification (germline): Likely benign. Review status: reviewed by expert panel (3 of 4 stars). 8 submissions from 8 submitters: Likely benign (1). 7 of the submissions do not count toward it. Last evaluated 2017-06-29.

Conditions:
Hereditary breast ovarian cancer syndrome. Also called: Hereditary breast and ovarian cancer syndrome; Hereditary breast and ovarian cancer syndrome (HBOC); BRCA1- and BRCA2-Associated Hereditary Breast and Ovarian Cancer; Breast and ovarian cancer; Hereditary breast and ovarian cancer; Hereditary breast and/or ovarian cancer syndrome. Identifiers: Orphanet 145, MedGen C0677776, MeSH D061325, MONDO:0003582. Disease mechanism: loss of function.
Breast-ovarian cancer, familial, susceptibility to, 1 (BROVCA1). Also called: OVARIAN CANCER, SUSCEPTIBILITY TO; BRCA1 Hereditary Breast and Ovarian Cancer. Identifiers: Orphanet 145, MedGen C2676676, MONDO:0011450, OMIM 604370. Disease mechanism: loss of function.
Hereditary cancer-predisposing syndrome. Also called: Hereditary Cancer Syndrome; Hereditary neoplastic syndrome; Tumor predisposition; Neoplastic Syndromes, Hereditary. Identifiers: Orphanet 140162, MedGen C0027672, MeSH D009386, MONDO:0015356.

Allele frequency attached by ClinVar (database versions not stated): gnomAD exomes below 0.00001 and 0.00001; ExAC 0.00002; gnomAD 0.00004 and 0.00005; 1000 Genomes Project 30x 0.00047; TOPMed 0.00008; 1000 Genomes Project 0.00040.
gnomAD v4.1: 11 of 1,613,794 alleles (0.00068%); highest among the groups gnomAD compares: Admixed American, 0.013%; no homozygotes.

Submissions (8):

Evidence-based Network for the Interpretation of Germline Mutant Alleles (ENIGMA)
Classification: Likely benign for Breast-ovarian cancer, familial, susceptibility to, 1. Last evaluated: 2017-06-29. Review status: reviewed by expert panel. Criteria: ENIGMA BRCA1/2 Classification Criteria (2017-06-29). Collection method: curation. Allele origin: germline.
Comment: Synonymous substitution variant, with low bioinformatic likelihood to result in a splicing aberration (Splicing prior probability 0.02).

Labcorp Genetics (formerly Invitae), Labcorp
Classification: Benign for Hereditary breast ovarian cancer syndrome. Last evaluated: 2026-02-01. Review status: criteria provided, single submitter. Criteria: Invitae Variant Classification Sherloc (09022015). Collection method: clinical testing. Allele origin: germline. Not counted in ClinVar's aggregate classification.

Quest Diagnostics Nichols Institute San Juan Capistrano
Classification: Likely benign. Last evaluated: 2025-01-13. Review status: criteria provided, single submitter. Criteria: Quest Diagnostics criteria. Collection method: clinical testing. Allele origin: unknown. Not counted in ClinVar's aggregate classification.

Women's Health and Genetics/Laboratory Corporation of America, LabCorp
Classification: Likely benign. Last evaluated: 2024-03-22. Review status: criteria provided, single submitter. Criteria: LabCorp Variant Classification Summary - May 2015. Collection method: clinical testing. Allele origin: germline. Not counted in ClinVar's aggregate classification.

Sema4
Classification: Likely benign for Hereditary cancer-predisposing syndrome. Last evaluated: 2021-08-03. Review status: criteria provided, single submitter. Criteria: Sema4 Curation Guidelines. Collection method: curation. Allele origin: germline. Not counted in ClinVar's aggregate classification.

Color Diagnostics, LLC DBA Color Health
Classification: Likely benign for Hereditary cancer-predisposing syndrome. Last evaluated: 2017-09-11. Review status: criteria provided, single submitter. Criteria: ACMG Guidelines, 2015. Collection method: clinical testing. Allele origin: germline. Not counted in ClinVar's aggregate classification.

GeneDx
Classification: Benign. Last evaluated: 2015-06-29. Review status: criteria provided, single submitter. Criteria: GeneDx Variant Classification (06012015). Collection method: clinical testing. Allele origin: germline. Affected: yes. Not counted in ClinVar's aggregate classification.
Comment: This variant is considered likely benign or benign based on one or more of the following criteria: it is a conservative change, it occurs at a poorly conserved position in the protein, it is predicted to be benign by multiple in silico algorithms, and/or has population frequency not consistent with disease.

Ambry Genetics
Classification: Likely benign for Hereditary cancer-predisposing syndrome. Last evaluated: 2014-10-23. Review status: criteria provided, single submitter. Criteria: Ambry Variant Classification Scheme 2023. Collection method: clinical testing. Allele origin: germline. Not counted in ClinVar's aggregate classification.

Literature cited by the submitters: PubMed 27983536 (cited by Women's Health and Genetics/Laboratory Corporation of America, LabCorp).